The following is an entry in ClinVar:

NM_005859.5(PURA):c.563_578del (p.Ile188fs)

Gene: PURA (purine rich element binding protein A; plus strand). Cytogenetic location: 5q31.3.
Variant type: Deletion.
Coding change: c.563_578del on transcript NM_005859.5 (MANE Select); coding-DNA positions 563 to 578, 16 bases deleted (TTGCGCTGCCCGCGCA).
Protein change: p.Ile188fs; shifts the reading frame from isoleucine 188.
Molecular consequence: frameshift variant.
Genome position (GRCh38, 1-based): chr5:140,114,744-140,114,759, TTGCGCTGCCCGCGCA deleted; deleting any 16 consecutive bases within chr5:140,114,742-140,114,759 gives the same sequence; the c. name uses the placement nearest the transcript's 3' end. VCF-style (leftmost placement, unchanged base first): chr5-140114741-CCATTGCGCTGCCCGCG-C. GRCh37 (hg19) VCF-style: chr5-139494326-CCATTGCGCTGCCCGCG-C.
Other names: short protein forms I188fs.
Identifiers: ClinVar variation 1320216 (VCV001320216.1), dbSNP rs2126749241, ClinGen allele CA2573052440.
Genomic context (GRCh38, chr5:140,114,741, plus strand): 5'-TCCTGCGCATCCGCCAGACGGTCAACCGGGGGCCTGGCCTGGGCTCCACGCAGGGCCAGA[CCATTGCGCTGCCCGCG>C]CAGGGGCTCATCGAGTTCCGTGACGCTCTGGCCAAGCTCATCGACGACTACGGAGTGGAG-3'

ClinVar aggregate classification (germline): Likely pathogenic (1 of 4 stars; one submission).

Conditions:
PURA-related severe neonatal hypotonia-seizures-encephalopathy syndrome (NEDRIHF). Also called: PURA-Related Neurodevelopmental Disorders; NEURODEVELOPMENTAL DISORDER WITH NEONATAL RESPIRATORY INSUFFICIENCY, HYPOTONIA, AND FEEDING DIFFICULTIES. Identifiers: Orphanet 438213, Orphanet 438216, MedGen C4015357, MONDO:1060108, OMIM 616158, MONDO:0018580.

Submission:

3billion
Classification: Likely pathogenic for PURA-related severe neonatal hypotonia-seizures-encephalopathy syndrome. Last evaluated: 2021-10-02. Review status: criteria provided, single submitter. Criteria: ACMG Guidelines, 2015. Collection method: clinical testing. Allele origin: maternal. Affected: yes. Observed: 1 heterozygote.
Comment: Frameshift: predicted to result in a loss or disruption of normal protein function through protein truncation. Multiple pathogenic variants are reported in the predicted truncated region (PVS1_S). It is not observed in the gnomAD v2.1.1 dataset (PM2). Therefore, this variant is classified as likely pathogenic according to the recommendation of ACMG/AMP guideline.